The following is an entry in ClinVar:

NM_016648.4(LARP7):c.34A>G (p.Met12Val)

Gene: LARP7 (La ribonucleoprotein 7, transcriptional regulator; plus strand). Cytogenetic location: 4q25.
Variant type: single nucleotide variant.
Coding change: c.34A>G on transcript NM_016648.4 (MANE Select); coding-DNA position 34, A replaced by G.
Protein change: p.Met12Val; replaces methionine 12 with valine.
Molecular consequence: missense variant. On other transcripts: 5 prime UTR variant (2).
Genome position (GRCh38, 1-based): chr4:112,644,703, A>G. VCF-style: chr4-112644703-A-G. GRCh37 (hg19) VCF-style: chr4-113565859-A-G.
Other names: c.-101A>G (NM_001370981.1, NM_001370982.1); c.34A>G, p.Met12Val (NM_015454.3, NM_001267039.4, NM_001370974.1 and 6 more transcripts); short protein forms M12V.
Identifiers: ClinVar variation 1717589 (VCV001717589.3), dbSNP rs2149256379, ClinGen allele CA357919681.

ClinVar aggregate classification (germline): Uncertain significance (1 of 4 stars; one submission).

Allele frequency attached by ClinVar (database versions not stated): gnomAD exomes below 0.00001; gnomAD 0.00001; 1000 Genomes Project 30x 0.00016.

Submission:

Labcorp Genetics (formerly Invitae), Labcorp
Classification: Uncertain significance. Last evaluated: 2022-08-22. Review status: criteria provided, single submitter. Criteria: Invitae Variant Classification Sherloc (09022015). Collection method: clinical testing. Allele origin: germline.
Comment: This sequence change replaces methionine, which is neutral and non-polar, with valine, which is neutral and non-polar, at codon 12 of the LARP7 protein (p.Met12Val). This variant is not present in population databases (gnomAD no frequency). This variant has not been reported in the literature in individuals affected with LARP7-related conditions. Algorithms developed to predict the effect of missense changes on protein structure and function (SIFT, PolyPhen-2, Align-GVGD) all suggest that this variant is likely to be tolerated. Algorithms developed to predict the effect of sequence changes on RNA splicing suggest that this variant may disrupt the consensus splice site. In summary, the available evidence is currently insufficient to determine the role of this variant in disease. Therefore, it has been classified as a Variant of Uncertain Significance.